The following is an entry in ClinVar:

NM_001040142.2(SCN2A):c.4539A>T (p.Ile1513=)

Gene: SCN2A (sodium voltage-gated channel alpha subunit 2; plus strand). Cytogenetic location: 2q24.3.
Variant type: single nucleotide variant.
Coding change: c.4539A>T on transcript NM_001040142.2 (MANE Select); coding-DNA position 4539, A replaced by T.
Protein change: p.Ile1513=; no amino-acid change (isoleucine 1513 retained).
Molecular consequence: synonymous variant.
Genome position (GRCh38, 1-based): chr2:165,381,185, A>T. VCF-style: chr2-165381185-A-T. GRCh37 (hg19) VCF-style: chr2-166237695-A-T.
Other names: c.4539A>T, p.Ile1513= (NM_001040143.2, NM_001371246.1, NM_001371247.1 and 1 more transcripts).
Identifiers: ClinVar variation 378534 (VCV000378534.40), dbSNP rs200553623, ClinGen allele CA1940282.
Genomic context (GRCh38, chr2:165,381,185, plus strand): 5'-ACAGAAGAAATACTACAATGCAATGAAAAAACTGGGTTCAAAGAAACCACAAAAACCCAT[A>T]CCTCGACCTGCTGTAAGAATAACATATTTTCATTGCCTGTTAAAACTATATTACCTAACC-3'
Protein context (NP_001035232.1, residues 1503-1523): KLGSKKPQKP[Ile1513=]PRPANKFQGM

ClinVar aggregate classification (germline): Benign/Likely benign. Review status: criteria provided, multiple submitters, no conflicts (2 of 4 stars). 5 submissions from 5 submitters: Benign (2); Likely benign (3). Last evaluated 2026-05-01.

Conditions:
Seizures, benign familial infantile, 3 (BFIS3). Also called: Familial neonatal seizures; CONVULSIONS, BENIGN FAMILIAL INFANTILE, 3. Identifiers: Orphanet 140927, Orphanet 306, MedGen C1843140, MONDO:0011904, OMIM 607745.
Developmental and epileptic encephalopathy, 11 (DEE11). Also called: Early infantile epileptic encephalopathy 11. Identifiers: Orphanet 1934, MedGen C3150987, MONDO:0013388, OMIM 613721.
Inborn genetic diseases. Identifiers: MedGen C0950123, MeSH D030342.

Allele frequency attached by ClinVar (database versions not stated): gnomAD exomes 0.00017 and 0.00042; ExAC 0.00089; 1000 Genomes Project 0.00140; 1000 Genomes Project 30x 0.00172; gnomAD below 0.00001 and 0.00013; TOPMed 0.00002.
gnomAD v4.1: 259 of 1,576,860 alleles (0.016%); highest among the groups gnomAD compares: South Asian, 0.29%; 2 homozygotes.

Submissions (5):

CeGaT Center for Human Genetics Tuebingen
Classification: Likely benign. Last evaluated: 2026-05-01. Review status: criteria provided, single submitter. Criteria: CeGaT Center For Human Genetics Tuebingen Variant Classification Criteria Version 2. Collection method: clinical testing. Allele origin: germline. Affected: yes. Observed: 4 variant alleles.
Comment: SCN2A: BP4, BP7, BS1

Labcorp Genetics (formerly Invitae), Labcorp
Classification: Benign for Seizures, benign familial infantile, 3; Developmental and epileptic encephalopathy, 11. Last evaluated: 2026-01-08. Review status: criteria provided, single submitter. Criteria: Invitae Variant Classification Sherloc (09022015). Collection method: clinical testing. Allele origin: germline.

Blueprint Genetics
Classification: Likely benign. Last evaluated: 2024-07-02. Review status: criteria provided, single submitter. Criteria: ACMG Guidelines, 2015. Collection method: clinical testing. Allele origin: germline.

GeneDx
Classification: Benign. Last evaluated: 2019-08-08. Review status: criteria provided, single submitter. Criteria: GeneDx Variant Classification Process June 2021. Collection method: clinical testing. Allele origin: germline. Affected: yes.

Ambry Genetics
Classification: Likely benign for Inborn genetic diseases. Last evaluated: 2019-07-28. Review status: criteria provided, single submitter. Criteria: Ambry Variant Classification Scheme 2023. Collection method: clinical testing. Allele origin: germline.